The following is an entry in ClinVar:

NM_001267550.2(TTN):c.69387del (p.Glu23129fs)

Genes: TTN (titin; minus strand), TTN-AS1 (TTN antisense RNA 1; plus strand). Cytogenetic location: 2q31.2.
Variant type: Deletion.
Coding change: c.69387del on transcript NM_001267550.2 (MANE Select); coding-DNA position 69387, one base deleted (A; older notation c.69387delA).
Protein change: p.Glu23129fs; shifts the reading frame from glutamic acid 23129.
Molecular consequence: frameshift variant.
Genome position (GRCh38, 1-based): chr2:178,576,948, T deleted on the plus strand (A on the coding strand, the reverse complement: TTN is on the minus strand); the first of 2 consecutive T bases (chr2:178,576,948-178,576,949); deleting either gives the same sequence. VCF-style (leftmost placement, unchanged base first): chr2-178576947-GT-G. GRCh37 (hg19) VCF-style: chr2-179441674-GT-G.
Other names: c.64464del, p.Glu21488fs (NM_001256850.1); c.42192del, p.Glu14064fs (NM_003319.4); c.61683del, p.Glu20561fs (NM_133378.4); c.42567del, p.Glu14189fs (NM_133432.3); c.42768del, p.Glu14256fs (NM_133437.4); short protein forms E23129fs, E14064fs, E21488fs, E14256fs, E20561fs, E14189fs.
Identifiers: ClinVar variation 1515666 (VCV001515666.8), dbSNP rs2154173437, ClinGen allele CA2573134328.

ClinVar aggregate classification (germline): Likely pathogenic (1 of 4 stars; one submission).

Conditions:
Dilated cardiomyopathy 1G (CMD1G). Identifiers: Orphanet 154, MedGen C1858763, MONDO:0011400, OMIM 604145.
Autosomal recessive limb-girdle muscular dystrophy type 2J (LGMDR10). Also called: Limb-girdle muscular dystrophy, type 2J; MUSCULAR DYSTROPHY, LIMB-GIRDLE, AUTOSOMAL RECESSIVE 10. Identifiers: Orphanet 140922, MedGen C1837342, MONDO:0012127, OMIM 608807.

Submission:

Labcorp Genetics (formerly Invitae), Labcorp
Classification: Likely pathogenic for Dilated cardiomyopathy 1G; Autosomal recessive limb-girdle muscular dystrophy type 2J. Last evaluated: 2024-10-29. Review status: criteria provided, single submitter. Criteria: Invitae Variant Classification Sherloc (09022015). Collection method: clinical testing. Allele origin: germline.
Comment: This sequence change creates a premature translational stop signal (p.Glu23129Aspfs*6) in the TTN gene. While this is not anticipated to result in nonsense mediated decay, it is expected to create a truncated TTN protein. This variant is not present in population databases (gnomAD no frequency). This variant has not been reported in the literature in individuals affected with TTN-related conditions. ClinVar contains an entry for this variant (Variation ID: 1515666). Algorithms developed to predict the effect of sequence changes on RNA splicing suggest that this variant may disrupt the consensus splice site. This variant is located in the A band of TTN (PMID: 25589632). Truncating variants in this region are significantly overrepresented in patients affected with dilated cardiomyopathy (PMID: 25589632). Truncating variants in this region have also been reported in individuals affected with autosomal recessive centronuclear myopathy (PMID: 23975875). In summary, the currently available evidence indicates that the variant is pathogenic, but additional data are needed to prove that conclusively. Therefore, this variant has been classified as Likely Pathogenic.

Literature cited by the submitters: PubMed 25589632; PubMed 23975875.